The following is an entry in ClinVar:

ClinVar aggregate classification (germline): Uncertain significance (1 of 4 stars; one submission).

Submission:

Mayo Clinic Laboratories, Mayo Clinic
Classification: Uncertain significance. Last evaluated: 2024-01-31. Review status: criteria provided, single submitter. Criteria: ACMG Guidelines, 2015. Collection method: clinical testing. Allele origin: germline. Observed: 1 variant allele.
Comment: BP4, PM2

NM_020821.3(VPS13C):c.9494A>G (p.Asp3165Gly)

Gene: VPS13C (vacuolar protein sorting 13 homolog C; minus strand). Cytogenetic location: 15q22.2.
Variant type: single nucleotide variant.
Coding change: c.9494A>G on transcript NM_020821.3 (MANE Select); coding-DNA position 9494, A replaced by G.
Protein change: p.Asp3165Gly; replaces aspartic acid 3165 with glycine.
Molecular consequence: missense variant.
Genome position (GRCh38, 1-based): chr15:61,882,726, T>C on the plus strand (A>G on the coding strand, the complement: VPS13C is on the minus strand). VCF-style: chr15-61882726-T-C. GRCh37 (hg19) VCF-style: chr15-62174925-T-C.
Other names: p.Asp3165Gly; c.9494A>G, p.Asp3165Gly (NM_001018088.3); c.9365A>G, p.Asp3122Gly (NM_017684.5, NM_018080.4); short protein forms D3122G, D3165G.
Identifiers: ClinVar variation 3380291 (VCV003380291.1).
Genomic context (GRCh38, chr15:61,882,726, plus strand): 5'-GATAAAAAGTCTCGTTTAATAGGGCTACGAATAGGGAGGCGCATTTCCATTGGATCTTTA[T>C]CAAAATTGACCTAGAAAAAAAGCACATGTTTTTGTGATGAGCTGATATTAGCACAGTAGC-3'
Protein context (NP_065872.1, residues 3155-3175): KLDNNFEVNF[Asp3165Gly]KDPMEMRLPI